The following is an entry in ClinVar:

NM_178857.6(RP1L1):c.1654C>G (p.Pro552Ala)

Gene: RP1L1 (RP1 like 1). Cytogenetic location: 8p23.1.
Variant type: single nucleotide variant.
Coding change: c.1654C>G on transcript NM_178857.6 (MANE Select); coding-DNA position 1654, C replaced by G.
Protein change: p.Pro552Ala; replaces proline 552 with alanine.
Molecular consequence: missense variant.
Genome position (GRCh38, 1-based): chr8:10,612,444, G>C on the plus strand (C>G on the coding strand, the complement: RP1L1 is on the minus strand). VCF-style: chr8-10612444-G-C. GRCh37 (hg19) VCF-style: chr8-10469954-G-C.
Other names: short protein forms P552A.
Identifiers: ClinVar variation 2339334 (VCV002339334.3), dbSNP rs1797881316, ClinGen allele CA370295101.
Genomic context (GRCh38, chr8:10,612,444, plus strand): 5'-CTCCCTCGCTGGCCTCCTGCTGAGAGGTCTCGGCCCTTGCCTTGCCTGGACAGCCCTGGG[G>C]CCGCCCACCCCATTCGCTGGATCCCTCATGAGAGCCGGTGCTGGCTGACGAGTCCGAAGA-3'
Protein context (NP_849188.4, residues 542-562): HEGSSEWGGR[Pro552Ala]QGCPGKARAE

ClinVar aggregate classification (germline): Uncertain significance. Review status: criteria provided, multiple submitters, no conflicts (2 of 4 stars). 2 submissions from 2 submitters: Uncertain significance (2). Last evaluated 2025-03-17.

Conditions:
RP1L1-related disorder. Also called: RP1L1-related condition.
Inborn genetic diseases. Identifiers: MedGen C0950123, MeSH D030342.

gnomAD v4.1: 15 of 1,612,600 alleles (0.00093%); highest among the groups gnomAD compares: Non-Finnish European, 0.0012%; no homozygotes.

Submissions (2):

PreventionGenetics, part of Exact Sciences
Classification: Uncertain significance for RP1L1-related condition. Last evaluated: 2025-03-17. Review status: criteria provided, single submitter. Criteria: ACMG Guidelines, 2015. Collection method: clinical testing. Allele origin: germline.
Comment: The RP1L1 c.1654C>G variant is predicted to result in the amino acid substitution p.Pro552Ala. To our knowledge, this variant has not been reported in the literature or in a large population database (gnomAD), indicating this variant is rare. At this time, the clinical significance of this variant is uncertain due to the absence of conclusive functional and genetic evidence.

Ambry Genetics
Classification: Uncertain significance for Inborn genetic diseases. Last evaluated: 2022-12-27. Review status: criteria provided, single submitter. Criteria: Ambry Variant Classification Scheme 2023. Collection method: clinical testing. Allele origin: germline.